The following is an entry in ClinVar:

NM_005876.5(SPEG):c.8423C>G (p.Ala2808Gly)

Genes: ASIC4-AS1 (ASIC4 antisense RNA 1; minus strand), SPEG (striated muscle enriched protein kinase; plus strand). Cytogenetic location: 2q35.
Variant type: single nucleotide variant.
Coding change: c.8423C>G on transcript NM_005876.5 (MANE Select); coding-DNA position 8423, C replaced by G.
Protein change: p.Ala2808Gly; replaces alanine 2808 with glycine.
Molecular consequence: missense variant.
Genome position (GRCh38, 1-based): chr2:219,489,441, C>G. VCF-style: chr2-219489441-C-G. GRCh37 (hg19) VCF-style: chr2-220354163-C-G.
Other names: short protein forms A2808G.
Identifiers: ClinVar variation 1716217 (VCV001716217.5), dbSNP rs1559432553, ClinGen allele CA350709080.

ClinVar aggregate classification (germline): Uncertain significance (1 of 4 stars; one submission).

gnomAD v4.1: 1 of 1,612,894 alleles (0.000062%); highest among the groups gnomAD compares: Middle Eastern, 0.017%; no homozygotes.

Submission:

Labcorp Genetics (formerly Invitae), Labcorp
Classification: Uncertain significance. Last evaluated: 2022-08-12. Review status: criteria provided, single submitter. Criteria: Invitae Variant Classification Sherloc (09022015). Collection method: clinical testing. Allele origin: germline.
Comment: In summary, the available evidence is currently insufficient to determine the role of this variant in disease. Therefore, it has been classified as a Variant of Uncertain Significance. Algorithms developed to predict the effect of missense changes on protein structure and function (SIFT, PolyPhen-2, Align-GVGD) all suggest that this variant is likely to be tolerated. This variant has not been reported in the literature in individuals affected with SPEG-related conditions. This variant is not present in population databases (gnomAD no frequency). This sequence change replaces alanine, which is neutral and non-polar, with glycine, which is neutral and non-polar, at codon 2808 of the SPEG protein (p.Ala2808Gly).